The following is an entry in ClinVar:

NM_001199097.2(BAIAP3):c.891C>T (p.Asn297=)

Gene: BAIAP3 (BAI1 associated protein 3; plus strand). Cytogenetic location: 16p13.3.
Variant type: single nucleotide variant.
Coding change: c.891C>T on transcript NM_001199097.2 (MANE Select); coding-DNA position 891, C replaced by T.
Protein change: p.Asn297=; no amino-acid change (asparagine 297 retained).
Molecular consequence: synonymous variant.
Genome position (GRCh38, 1-based): chr16:1,342,217, C>T. VCF-style: chr16-1342217-C-T. GRCh37 (hg19) VCF-style: chr16-1392218-C-T.
Other names: c.891C>T, p.Asn297= (NM_001199096.2); c.822C>T, p.Asn274= (NM_001199098.2); c.807C>T, p.Asn269= (NM_001199099.2); c.942C>T, p.Asn314= (NM_001286464.2); c.996C>T, p.Asn332= (NM_003933.5).
Identifiers: ClinVar variation 3052168 (VCV003052168.2), dbSNP rs142979816, ClinGen allele CA7805661.

ClinVar aggregate classification (germline): Likely benign (0 of 4 stars; one submission).

Conditions:
BAIAP3-related disorder. Also called: BAIAP3-related condition.

Allele frequency attached by ClinVar (database versions not stated): ESP Exome Variant Server 0.00008; gnomAD 0.00009; TOPMed 0.00011; ExAC 0.00016.
gnomAD v4.1: 123 of 1,606,358 alleles (0.0077%); highest among the groups gnomAD compares: South Asian, 0.025%; 1 homozygote.

Submission:

PreventionGenetics, part of Exact Sciences
Classification: Likely benign for BAIAP3-related condition. Last evaluated: 2020-12-29. Review status: no assertion criteria provided. Collection method: clinical testing. Allele origin: germline.
Comment: This variant is classified as likely benign based on ACMG/AMP sequence variant interpretation guidelines (Richards et al. 2015 PMID: 25741868, with internal and published modifications).